The following is an entry in ClinVar:

ClinVar aggregate classification (germline): Pathogenic (1 of 4 stars; one submission).

Submission:

Labcorp Genetics (formerly Invitae), Labcorp
Classification: Pathogenic. Last evaluated: 2022-06-27. Review status: criteria provided, single submitter. Criteria: Invitae Variant Classification Sherloc (09022015). Collection method: clinical testing. Allele origin: germline.
Comment: This sequence change creates a premature translational stop signal (p.Gln198*) in the ALX3 gene. It is expected to result in an absent or disrupted protein product. Loss-of-function variants in ALX3 are known to be pathogenic (PMID: 19409524, 29215096). This variant is not present in population databases (gnomAD no frequency). This variant has not been reported in the literature in individuals affected with ALX3-related conditions. For these reasons, this variant has been classified as Pathogenic.

Literature cited by the submitters: PubMed 19409524; PubMed 29215096.

NM_006492.3(ALX3):c.592C>T (p.Gln198Ter)

Gene: ALX3 (ALX homeobox 3; minus strand). Cytogenetic location: 1p13.3.
Variant type: single nucleotide variant.
Coding change: c.592C>T on transcript NM_006492.3 (MANE Select); coding-DNA position 592, C replaced by T.
Protein change: p.Gln198Ter; replaces glutamine 198 with a stop codon.
Molecular consequence: nonsense.
Genome position (GRCh38, 1-based): chr1:110,064,589, G>A on the plus strand (C>T on the coding strand, the complement: ALX3 is on the minus strand). VCF-style: chr1-110064589-G-A. GRCh37 (hg19) VCF-style: chr1-110607211-G-A.
Other names: short protein forms Q198*.
Identifiers: ClinVar variation 2146917 (VCV002146917.1), dbSNP rs2524435705, ClinGen allele CA341584082.